The following is an entry in ClinVar:

ClinVar aggregate classification (germline): Pathogenic/Likely pathogenic. Review status: criteria provided, multiple submitters, no conflicts (2 of 4 stars). 7 submissions from 7 submitters: Pathogenic (2); Likely pathogenic (5). Last evaluated 2025-11-13.

Conditions:
Pili torti-deafness syndrome (BJS). Also called: PILI TORTI AND NERVE DEAFNESS; Bjornstad syndrome. Identifiers: Orphanet 123, MedGen C0266006, MONDO:0009872, OMIM 262000.
GRACILE syndrome (FLNMS). Also called: FELLMAN SYNDROME; FINNISH LETHAL NEONATAL METABOLIC SYNDROME. Identifiers: Orphanet 53693, MedGen C1864002, MONDO:0011308, OMIM 603358.
Mitochondrial complex III deficiency nuclear type 1. Identifiers: Orphanet 254902, MedGen C3541471, MONDO:0007415, OMIM 124000.

Submissions (7):

Labcorp Genetics (formerly Invitae), Labcorp
Classification: Pathogenic. Last evaluated: 2025-11-13. Review status: criteria provided, single submitter. Criteria: Invitae Variant Classification Sherloc (09022015). Collection method: clinical testing. Allele origin: germline.
Comment: This sequence change creates a premature translational stop signal (p.Asp317Valfs*12) in the BCS1L gene. While this is not anticipated to result in nonsense mediated decay, it is expected to disrupt the last 103 amino acid(s) of the BCS1L protein. This variant is present in population databases (rs541260525, gnomAD 0.002%). This variant has not been reported in the literature in individuals affected with BCS1L-related conditions. ClinVar contains an entry for this variant (Variation ID: 2680155). This variant disrupts a region of the BCS1L protein in which other variant(s) (p.Met401Asnfs*4) have been determined to be pathogenic (PMID: 24236502). This suggests that this is a clinically significant region of the protein, and that variants that disrupt it are likely to be disease-causing. For these reasons, this variant has been classified as Pathogenic.

Natera, Inc.
Classification: Likely pathogenic for GRACILE syndrome. Last evaluated: 2025-07-23. Review status: criteria provided, single submitter. Criteria: Natera Variant Classification Schema (03/2026). Collection method: clinical testing. Allele origin: germline.
Comment: The c.950_953delATGG variant in BCS1L is a frameshift variant predicted to shift the reading frame beginning at codon 317 and leads to a stop codon 12 codons downstream. This variant is expected to result in nonsense mediated decay, truncation, or a dysfunctional protein product. This variant is rare in the general population with a frequency below the threshold expected for the associated phenotype(s). Given the available evidence, this variant is classified as Likely Pathogenic.

Dasa
Classification: Likely pathogenic. Last evaluated: 2025-05-17. Review status: criteria provided, single submitter. Criteria: DASA Assertion Criteria. Collection method: clinical testing. Allele origin: germline.
Comment: NM_001079866.2(BCS1L):c.950_953del (p.Asp317Valfs*12) is a frameshift variant in BCS1L predicted to alter the reading frame and introduce a premature termination codon and is predicted to result in an absent or altered protein product. Loss of function is an established disease mechanism for BCS1L-associated disorders. Also, this variant is rare in population databases. Based on the currently available evidence, this variant is classified as likely pathogenic.

CeGaT Center for Human Genetics Tuebingen
Classification: Likely pathogenic. Last evaluated: 2024-10-01. Review status: criteria provided, single submitter. Criteria: CeGaT Center For Human Genetics Tuebingen Variant Classification Criteria Version 2. Collection method: clinical testing. Allele origin: germline. Affected: yes. Observed: 1 variant allele.
Comment: BCS1L: PVS1:Strong, PM2, PP4

Fulgent Genetics
Classification: Likely pathogenic for Mitochondrial complex III deficiency nuclear type 1; Pili torti-deafness syndrome; GRACILE syndrome. Last evaluated: 2024-03-21. Review status: criteria provided, single submitter. Criteria: ACMG Guidelines, 2015. Collection method: clinical testing. Allele origin: germline.

Women's Health and Genetics/Laboratory Corporation of America, LabCorp
Classification: Pathogenic for GRACILE syndrome. Last evaluated: 2024-01-31. Review status: criteria provided, single submitter. Criteria: LabCorp Variant Classification Summary - May 2015. Collection method: clinical testing. Allele origin: germline.
Comment: Variant summary: BCS1L c.950_953delATGG (p.Asp317ValfsX12) results in a premature termination codon, predicted to cause absence of the protein due to nonsense mediated decay, which is a commonly known mechanism for disease. The variant allele was found at a frequency of 1.2e-05 in 251482 control chromosomes, predominantly at a frequency of 2.6e-05 within the Non-Finnish European subpopulation in the gnomAD database. To our knowledge, no occurrence of c.950_953delATGG in individuals affected with Mitochondrial Complex III Deficiency, Nuclear Type 1 and no experimental evidence demonstrating its impact on protein function have been reported. ClinVar contains an entry for this variant (Variation ID: 2680155). Based on the evidence outlined above, the variant was classified as pathogenic.

Baylor Genetics
Classification: Likely pathogenic for Pili torti-deafness syndrome. Last evaluated: 2023-03-29. Review status: criteria provided, single submitter. Criteria: ACMG Guidelines, 2015. Collection method: clinical testing. Allele origin: unknown.

Literature cited by the submitters: PubMed 24236502 (cited by Labcorp Genetics (formerly Invitae), Labcorp).

NM_001079866.2(BCS1L):c.950_953del (p.Asp317fs)

Gene: BCS1L (BCS1 ubiquinol-cytochrome c reductase complex chaperone; plus strand). Cytogenetic location: 2q35.
Variant type: Deletion.
Coding change: c.950_953del on transcript NM_001079866.2 (MANE Select); coding-DNA positions 950 to 953, 4 bases deleted (ATGG; older notation c.950_953delATGG).
Protein change: p.Asp317fs; shifts the reading frame from aspartic acid 317.
Molecular consequence: frameshift variant. On other transcripts: non-coding transcript variant (1).
Genome position (GRCh38, 1-based): chr2:218,662,943-218,662,946, ATGG deleted; deleting any 4 consecutive bases within chr2:218,662,940-218,662,946 gives the same sequence; the c. name uses the placement nearest the transcript's 3' end. VCF-style (leftmost placement, unchanged base first): chr2-218662939-TTGGA-T. GRCh37 (hg19) VCF-style: chr2-219527662-TTGGA-T.
Other names: c.950_953delATGG (NM_004328.5); c.950_953del, p.Asp317fs (NM_001257342.2, NM_001257343.2, NM_001257344.2 and 10 more transcripts); c.590_593del, p.Asp197fs (NM_001318836.2, NM_001371451.1); c.449_452del, p.Asp150fs (NM_001371452.1, NM_001371453.1, NM_001371454.1 and 3 more transcripts); short protein forms D150fs, D197fs, D317fs.
Identifiers: ClinVar variation 2680155 (VCV002680155.21), dbSNP rs541260525, ClinGen allele CA2109798.